The following is an entry in ClinVar:

ClinVar aggregate classification (germline): Uncertain significance (1 of 4 stars; one submission).

Submission:

GeneDx
Classification: Uncertain significance. Last evaluated: 2023-06-12. Review status: criteria provided, single submitter. Criteria: GeneDx Variant Classification Process June 2021. Collection method: clinical testing. Allele origin: germline. Affected: yes.
Comment: Not observed at significant frequency in large population cohorts (gnomAD); In silico analysis supports that this missense variant has a deleterious effect on protein structure/function; Has not been previously published as pathogenic or benign to our knowledge

NM_001122955.4(BSCL2):c.478C>G (p.Arg160Gly)

Genes: BSCL2 (BSCL2 lipid droplet biogenesis associated, seipin; minus strand), HNRNPUL2-BSCL2 (HNRNPUL2-BSCL2 readthrough (NMD candidate); minus strand). Cytogenetic location: 11q12.3.
Variant type: single nucleotide variant.
Coding change: c.478C>G on transcript NM_001122955.4 (MANE Select); coding-DNA position 478, C replaced by G.
Protein change: p.Arg160Gly; replaces arginine 160 with glycine.
Molecular consequence: missense variant. On other transcripts: non-coding transcript variant (1).
Genome position (GRCh38, 1-based): chr11:62,702,476, G>C on the plus strand (C>G on the coding strand, the complement: BSCL2 is on the minus strand). VCF-style: chr11-62702476-G-C. GRCh37 (hg19) VCF-style: chr11-62469948-G-C.
Other names: c.286C>G, p.Arg96Gly (NM_001130702.2, NM_032667.6); c.478C>G, p.Arg160Gly (NM_001386027.1, NM_001386028.1); short protein forms R160G, R96G.
Identifiers: ClinVar variation 3359775 (VCV003359775.1).
Genomic context (GRCh38, chr11:62,702,476, plus strand): 5'-ATTTTGAGTCATCAAAGCTCTAATGAAACCTCTCTCTAGTTCCCATACTCACCCGATCAC[G>C]TCCACCCTTAGTCAGCGAGACATTGGCAACAGGGAAGGAGCAGAGTGAGGTGGTGGAGGA-3'
Protein context (NP_001116427.1, residues 150-170): VANVSLTKGG[Arg160Gly]DRVLMYGQPY